The following is an entry in ClinVar:

ClinVar aggregate classification (germline): Uncertain significance (1 of 4 stars; one submission).

Allele frequency attached by ClinVar (database versions not stated): gnomAD exomes below 0.00001.
gnomAD v4.1: 3 of 1,613,972 alleles (0.00019%); highest among the groups gnomAD compares: Non-Finnish European, 0.00025%; no homozygotes.

Submission:

Labcorp Genetics (formerly Invitae), Labcorp
Classification: Uncertain significance. Last evaluated: 2024-10-16. Review status: criteria provided, single submitter. Criteria: Invitae Variant Classification Sherloc (09022015). Collection method: clinical testing. Allele origin: germline.
Comment: This sequence change replaces valine, which is neutral and non-polar, with methionine, which is neutral and non-polar, at codon 1598 of the TUBGCP6 protein (p.Val1598Met). This variant is not present in population databases (gnomAD no frequency). This variant has not been reported in the literature in individuals affected with TUBGCP6-related conditions. ClinVar contains an entry for this variant (Variation ID: 1922284). An algorithm developed to predict the effect of missense changes on protein structure and function (PolyPhen-2) suggests that this variant is likely to be disruptive. In summary, the available evidence is currently insufficient to determine the role of this variant in disease. Therefore, it has been classified as a Variant of Uncertain Significance.

NM_020461.4(TUBGCP6):c.4792G>A (p.Val1598Met)

Gene: TUBGCP6 (tubulin gamma complex component 6; minus strand). Cytogenetic location: 22q13.33.
Variant type: single nucleotide variant.
Coding change: c.4792G>A on transcript NM_020461.4 (MANE Select); coding-DNA position 4792, G replaced by A.
Protein change: p.Val1598Met; replaces valine 1598 with methionine.
Molecular consequence: missense variant.
Genome position (GRCh38, 1-based): chr22:50,218,732, C>T on the plus strand (G>A on the coding strand, the complement: TUBGCP6 is on the minus strand). VCF-style: chr22-50218732-C-T. GRCh37 (hg19) VCF-style: chr22-50657161-C-T.
Other names: short protein forms V1598M.
Identifiers: ClinVar variation 1922284 (VCV001922284.4), dbSNP rs2064461912, ClinGen allele CA412168120.